The following is an entry in ClinVar:

ClinVar aggregate classification (germline): Benign/Likely benign. Review status: criteria provided, multiple submitters, no conflicts (2 of 4 stars). 4 submissions from 4 submitters: Benign (1); Likely benign (3). Last evaluated 2026-01-12.

Conditions:
Hereditary spastic paraplegia 73. Also called: Spastic paraplegia 73, autosomal dominant. Identifiers: Orphanet 444099, MedGen C5568981, MONDO:0014568, OMIM 616282.

Allele frequency attached by ClinVar (database versions not stated): gnomAD exomes 0.00047 and 0.00067; ESP Exome Variant Server 0.00054; gnomAD 0.00059 and 0.00062; TOPMed 0.00060; ExAC 0.00065.
gnomAD v4.1: 1,058 of 1,613,296 alleles (0.066%); highest among the groups gnomAD compares: Non-Finnish European, 0.084%; 1 homozygote.

Submissions (4):

Labcorp Genetics (formerly Invitae), Labcorp
Classification: Likely benign for Hereditary spastic paraplegia 73. Last evaluated: 2026-01-12. Review status: criteria provided, single submitter. Criteria: Invitae Variant Classification Sherloc (09022015). Collection method: clinical testing. Allele origin: germline.

CeGaT Center for Human Genetics Tuebingen
Classification: Likely benign. Last evaluated: 2025-03-01. Review status: criteria provided, single submitter. Criteria: CeGaT Center For Human Genetics Tuebingen Variant Classification Criteria Version 2. Collection method: clinical testing. Allele origin: germline. Affected: yes. Observed: 1 variant allele.
Comment: CPT1C: BP4, BP7

Mayo Clinic Laboratories, Mayo Clinic
Classification: Benign. Last evaluated: 2025-01-28. Review status: criteria provided, single submitter. Criteria: ACMG Guidelines, 2015. Collection method: clinical testing. Allele origin: germline. Observed: 2 variant alleles.
Comment: BS1, BS2, BP4, BP7

Breakthrough Genomics
Classification: Likely benign. Review status: criteria provided, single submitter. Criteria: ACMG Guidelines, 2015. Collection method: not provided. Allele origin: germline. Inheritance: Autosomal dominant inheritance. Affected: yes.

NM_001199753.2(CPT1C):c.1749C>T (p.Cys583=)

Gene: CPT1C (carnitine palmitoyltransferase 1C; plus strand). Cytogenetic location: 19q13.33.
Variant type: single nucleotide variant.
Coding change: c.1749C>T on transcript NM_001199753.2 (MANE Select); coding-DNA position 1749, C replaced by T.
Protein change: p.Cys583=; no amino-acid change (cysteine 583 retained).
Molecular consequence: synonymous variant. On other transcripts: non-coding transcript variant (1), intron variant (3).
Genome position (GRCh38, 1-based): chr19:49,710,740, C>T. VCF-style: chr19-49710740-C-T. GRCh37 (hg19) VCF-style: chr19-50213997-C-T.
Other names: p.Cys572=; c.1716C>T, p.Cys572= (NM_001136052.3, NM_001378485.1); c.1749C>T, p.Cys583= (NM_001199752.3, NM_001378483.1, NM_001378484.1 and 1 more transcripts); c.1815C>T, p.Cys605= (NM_001378482.1); c.1731+256C>T (NM_001378486.1, NM_001378488.1); c.1698+256C>T (NM_001378487.1).
Identifiers: ClinVar variation 704902 (VCV000704902.18), dbSNP rs147638606, ClinGen allele CA9582313.